The following is an entry in ClinVar:

NM_022042.4(SLC26A1):c.1813G>A (p.Ala605Thr)

Genes: IDUA (alpha-L-iduronidase; plus strand), SLC26A1 (solute carrier family 26 member 1; minus strand). Cytogenetic location: 4p16.3.
Variant type: single nucleotide variant.
Coding change: c.1813G>A on transcript NM_022042.4 (MANE Select); coding-DNA position 1813, G replaced by A.
Protein change: p.Ala605Thr; replaces alanine 605 with threonine.
Molecular consequence: missense variant. On other transcripts: intron variant (2).
Genome position (GRCh38, 1-based): chr4:989,126, C>T on the plus strand (G>A on the coding strand, the complement: SLC26A1 is on the minus strand). VCF-style: chr4-989126-C-T. GRCh37 (hg19) VCF-style: chr4-982914-C-T.
Other names: c.1813G>A, p.Ala605Thr (NM_213613.4); c.576+2002G>A (NM_134425.4); c.299+1177C>T (NM_000203.5); short protein forms A605T.
Identifiers: ClinVar variation 1430514 (VCV001430514.9), dbSNP rs756245768, ClinGen allele CA2801264.

ClinVar aggregate classification (germline): Uncertain significance. Review status: criteria provided, multiple submitters, no conflicts (2 of 4 stars). 2 submissions from 2 submitters: Uncertain significance (2). Last evaluated 2022-02-02.

Conditions:
Nephrolithiasis, calcium oxalate. Also called: Calcium oxalate urolithiasis. Identifiers: MedGen C1833683, MONDO:0957318, HP:0008672.

Allele frequency attached by ClinVar (database versions not stated): ExAC 0.00001; gnomAD 0.00001; gnomAD exomes 0.00001; TOPMed 0.00001.
gnomAD v4.1: 8 of 1,606,270 alleles (0.0005%); highest among the groups gnomAD compares: Admixed American, 0.0034%; no homozygotes.

Submissions (2):

Fulgent Genetics
Classification: Uncertain significance for Nephrolithiasis susceptibility caused by SLC26A1. Last evaluated: 2022-02-02. Review status: criteria provided, single submitter. Criteria: ACMG Guidelines, 2015. Collection method: clinical testing. Allele origin: unknown.

Labcorp Genetics (formerly Invitae), Labcorp
Classification: Uncertain significance. Last evaluated: 2021-04-22. Review status: criteria provided, single submitter. Criteria: Invitae Variant Classification Sherloc (09022015). Collection method: clinical testing. Allele origin: germline.
Comment: In summary, the available evidence is currently insufficient to determine the role of this variant in disease. Therefore, it has been classified as a Variant of Uncertain Significance. Algorithms developed to predict the effect of missense changes on protein structure and function output the following: SIFT: "Tolerated"; PolyPhen-2: "Benign"; Align-GVGD: "Class C0". The threonine amino acid residue is found in multiple mammalian species, suggesting that this missense change does not adversely affect protein function. These predictions have not been confirmed by published functional studies and their clinical significance is uncertain. This variant has not been reported in the literature in individuals with SLC26A1-related conditions. This variant is present in population databases (rs756245768, ExAC 0.002%). This sequence change replaces alanine with threonine at codon 605 of the SLC26A1 protein (p.Ala605Thr). The alanine residue is weakly conserved and there is a small physicochemical difference between alanine and threonine.